The following is an entry in ClinVar:

NM_138927.4(SON):c.2630C>G (p.Ala877Gly)

Gene: SON (SON DNA and RNA binding protein; plus strand). Cytogenetic location: 21q22.11.
Variant type: single nucleotide variant.
Coding change: c.2630C>G on transcript NM_138927.4 (MANE Select); coding-DNA position 2630, C replaced by G.
Protein change: p.Ala877Gly; replaces alanine 877 with glycine.
Molecular consequence: missense variant. On other transcripts: non-coding transcript variant (1), intron variant (1).
Genome position (GRCh38, 1-based): chr21:33,551,861, C>G. VCF-style: chr21-33551861-C-G. GRCh37 (hg19) VCF-style: chr21-34924167-C-G.
Other names: c.2630C>G (NM_138927.2); c.2630C>G, p.Ala877Gly (NM_032195.3, NM_058183.2, NM_138926.1 and 2 more transcripts); c.245-5295C>G (NM_001291412.3); short protein forms A877G.
Identifiers: ClinVar variation 2961889 (VCV002961889.5), dbSNP rs185590313, ClinGen allele CA10009142.

ClinVar aggregate classification (germline): Likely benign. Review status: criteria provided, single submitter (1 of 4 stars). 2 submissions from 2 submitters: Likely benign (1). 1 of the submissions does not count toward it. Last evaluated 2024-10-23.

Conditions:
SON-related disorder. Also called: SON-related condition.

Allele frequency attached by ClinVar (database versions not stated): TOPMed 0.00003; gnomAD 0.00009; gnomAD exomes 0.00011; 1000 Genomes Project 30x 0.00031; 1000 Genomes Project 0.00040; ExAC 0.00044.
gnomAD v4.1: 181 of 1,614,028 alleles (0.011%); highest among the groups gnomAD compares: Non-Finnish European, 0.0075%; no homozygotes.

Submissions (2):

Labcorp Genetics (formerly Invitae), Labcorp
Classification: Likely benign. Last evaluated: 2024-10-23. Review status: criteria provided, single submitter. Criteria: Invitae Variant Classification Sherloc (09022015). Collection method: clinical testing. Allele origin: germline.

PreventionGenetics, part of Exact Sciences
Classification: Likely benign for SON-related condition. Last evaluated: 2019-07-31. Review status: no assertion criteria provided. Collection method: clinical testing. Allele origin: germline. Not counted in ClinVar's aggregate classification.
Comment: This variant is classified as likely benign based on ACMG/AMP sequence variant interpretation guidelines (Richards et al. 2015 PMID: 25741868, with internal and published modifications).